The following is an entry in ClinVar:

ClinVar aggregate classification (germline): Uncertain significance. Review status: criteria provided, multiple submitters, no conflicts (2 of 4 stars). 3 submissions from 3 submitters: Uncertain significance (2). 1 of the submissions does not count toward it. Last evaluated 2024-06-04.

Conditions:
Retinal dystrophy. Also called: Inherited retinal dystrophy. Identifiers: Orphanet 71862, MedGen C0854723, MeSH D058499, MONDO:0019118, HP:0000556.

Allele frequency attached by ClinVar (database versions not stated): gnomAD exomes 0.00001.
gnomAD v4.1: 23 of 1,612,942 alleles (0.0014%); highest among the groups gnomAD compares: Non-Finnish European, 0.0019%; no homozygotes.

Submissions (3):

Blueprint Genetics
Classification: Uncertain significance. Last evaluated: 2024-06-04. Review status: criteria provided, single submitter. Criteria: ACMG Guidelines, 2015. Collection method: clinical testing. Allele origin: germline.

Labcorp Genetics (formerly Invitae), Labcorp
Classification: Uncertain significance. Last evaluated: 2022-10-17. Review status: criteria provided, single submitter. Criteria: Invitae Variant Classification Sherloc (09022015). Collection method: clinical testing. Allele origin: germline.
Comment: This sequence change replaces alanine, which is neutral and non-polar, with valine, which is neutral and non-polar, at codon 546 of the RBP3 protein (p.Ala546Val). This variant is present in population databases (no rsID available, gnomAD 0.002%). This variant has not been reported in the literature in individuals affected with RBP3-related conditions. Algorithms developed to predict the effect of missense changes on protein structure and function are either unavailable or do not agree on the potential impact of this missense change (SIFT: "Deleterious"; PolyPhen-2: "Possibly Damaging"; Align-GVGD: "Class C0"). In summary, the available evidence is currently insufficient to determine the role of this variant in disease. Therefore, it has been classified as a Variant of Uncertain Significance.

Institute of Human Genetics, Univ. Regensburg, Univ. Regensburg
Classification: Uncertain significance for Retinal dystrophy. Last evaluated: 2018-01-01. Review status: no assertion criteria provided. Criteria: ACMG Guidelines, 2015. Collection method: clinical testing. Allele origin: germline. Affected: yes. Not counted in ClinVar's aggregate classification.

NM_002900.3(RBP3):c.1637C>T (p.Ala546Val)

Gene: RBP3 (retinol binding protein 3; plus strand). Cytogenetic location: 10q11.22.
Variant type: single nucleotide variant.
Coding change: c.1637C>T on transcript NM_002900.3 (MANE Select); coding-DNA position 1637, C replaced by T.
Protein change: p.Ala546Val; replaces alanine 546 with valine.
Molecular consequence: missense variant.
Genome position (GRCh38, 1-based): chr10:47,350,121, C>T. VCF-style: chr10-47350121-C-T. GRCh37 (hg19) VCF-style: chr10-48389241-G-A.
Other names: short protein forms A546V.
Identifiers: ClinVar variation 1930665 (VCV001930665.7), dbSNP rs1439273931, ClinGen allele CA376671109.